The following is an entry in ClinVar:

NM_001163.4(APBA1):c.1368C>T (p.Ile456=)

Gene: APBA1 (amyloid beta precursor protein binding family A member 1; minus strand). Cytogenetic location: 9q21.12.
Variant type: single nucleotide variant.
Coding change: c.1368C>T on transcript NM_001163.4 (MANE Select); coding-DNA position 1368, C replaced by T.
Protein change: p.Ile456=; no amino-acid change (isoleucine 456 retained).
Molecular consequence: synonymous variant.
Genome position (GRCh38, 1-based): chr9:69,467,937, G>A on the plus strand (C>T on the coding strand, the complement: APBA1 is on the minus strand). VCF-style: chr9-69467937-G-A. GRCh37 (hg19) VCF-style: chr9-72082853-G-A.
Identifiers: ClinVar variation 2659244 (VCV002659244.24), dbSNP rs745501677, ClinGen allele CA5074990.

ClinVar aggregate classification (germline): Likely benign (1 of 4 stars; one submission).

Allele frequency attached by ClinVar (database versions not stated): gnomAD 0.00001; ExAC 0.00002; gnomAD exomes 0.00003; TOPMed 0.00004.
gnomAD v4.1: 50 of 1,614,020 alleles (0.0031%); highest among the groups gnomAD compares: Non-Finnish European, 0.0038%; no homozygotes.

Submission:

CeGaT Center for Human Genetics Tuebingen
Classification: Likely benign. Last evaluated: 2022-09-01. Review status: criteria provided, single submitter. Criteria: CeGaT Center For Human Genetics Tuebingen Variant Classification Criteria Version 2. Collection method: clinical testing. Allele origin: germline. Affected: yes. Observed: 1 variant allele.
Comment: APBA1: BP4, BP7